The following is an entry in ClinVar:

ClinVar aggregate classification (germline): Uncertain significance. Review status: criteria provided, multiple submitters, no conflicts (2 of 4 stars). 2 submissions from 2 submitters: Uncertain significance (2). Last evaluated 2022-10-04.

Allele frequency attached by ClinVar (database versions not stated): TOPMed below 0.00001; gnomAD 0.00001.
gnomAD v4.1: 11 of 1,614,080 alleles (0.00068%); highest among the groups gnomAD compares: African/African-American, 0.0027%; no homozygotes.

Submissions (2):

Labcorp Genetics (formerly Invitae), Labcorp
Classification: Uncertain significance. Last evaluated: 2022-10-04. Review status: criteria provided, single submitter. Criteria: Invitae Variant Classification Sherloc (09022015). Collection method: clinical testing. Allele origin: germline.
Comment: In summary, the available evidence is currently insufficient to determine the role of this variant in disease. Therefore, it has been classified as a Variant of Uncertain Significance. Algorithms developed to predict the effect of missense changes on protein structure and function output the following: SIFT: "Deleterious"; PolyPhen-2: "Benign"; Align-GVGD: "Class C0". The valine amino acid residue is found in multiple mammalian species, which suggests that this missense change does not adversely affect protein function. ClinVar contains an entry for this variant (Variation ID: 1525856). This variant has not been reported in the literature in individuals affected with PCARE-related conditions. This variant is present in population databases (no rsID available, gnomAD 0.007%). This sequence change replaces glycine, which is neutral and non-polar, with valine, which is neutral and non-polar, at codon 172 of the PCARE protein (p.Gly172Val).

Blueprint Genetics
Classification: Uncertain significance. Last evaluated: 2021-09-14. Review status: criteria provided, single submitter. Criteria: ACMG Guidelines, 2015. Collection method: clinical testing. Allele origin: germline.

NM_001029883.3(PCARE):c.515G>T (p.Gly172Val)

Gene: PCARE (photoreceptor cilium actin regulator; minus strand). Cytogenetic location: 2p23.2.
Variant type: single nucleotide variant.
Coding change: c.515G>T on transcript NM_001029883.3 (MANE Select); coding-DNA position 515, G replaced by T.
Protein change: p.Gly172Val; replaces glycine 172 with valine.
Molecular consequence: missense variant.
Genome position (GRCh38, 1-based): chr2:29,073,747, C>A on the plus strand (G>T on the coding strand, the complement: PCARE is on the minus strand). VCF-style: chr2-29073747-C-A. GRCh37 (hg19) VCF-style: chr2-29296613-C-A.
Other names: short protein forms G172V.
Identifiers: ClinVar variation 1525856 (VCV001525856.7), dbSNP rs946621597, ClinGen allele CA44644016.